The following is an entry in ClinVar:

NM_004055.5(CAPN5):c.953A>G (p.Gln318Arg)

Gene: CAPN5 (calpain 5; plus strand). Cytogenetic location: 11q13.5.
Variant type: single nucleotide variant.
Coding change: c.953A>G on transcript NM_004055.5 (MANE Select); coding-DNA position 953, A replaced by G.
Protein change: p.Gln318Arg; replaces glutamine 318 with arginine.
Molecular consequence: missense variant.
Genome position (GRCh38, 1-based): chr11:77,116,285, A>G. VCF-style: chr11-77116285-A-G. GRCh37 (hg19) VCF-style: chr11-76827331-A-G.
Other names: short protein forms Q318R.
Identifiers: ClinVar variation 1034664 (VCV001034664.10), dbSNP rs1950467589, ClinGen allele CA381939940.

ClinVar aggregate classification (germline): Uncertain significance. Review status: criteria provided, multiple submitters, no conflicts (2 of 4 stars). 2 submissions from 2 submitters: Uncertain significance (2). Last evaluated 2024-05-03.

gnomAD v4.1: 1 of 1,613,578 alleles (0.000062%); highest among the groups gnomAD compares: Non-Finnish European, 0.000085%; no homozygotes.

Submissions (2):

Blueprint Genetics
Classification: Uncertain significance. Last evaluated: 2024-05-03. Review status: criteria provided, single submitter. Criteria: ACMG Guidelines, 2015. Collection method: clinical testing. Allele origin: germline.

Labcorp Genetics (formerly Invitae), Labcorp
Classification: Uncertain significance. Last evaluated: 2023-11-28. Review status: criteria provided, single submitter. Criteria: Invitae Variant Classification Sherloc (09022015). Collection method: clinical testing. Allele origin: germline.
Comment: This sequence change replaces glutamine, which is neutral and polar, with arginine, which is basic and polar, at codon 318 of the CAPN5 protein (p.Gln318Arg). This variant is not present in population databases (gnomAD no frequency). This variant has not been reported in the literature in individuals affected with CAPN5-related conditions. ClinVar contains an entry for this variant (Variation ID: 1034664). Advanced modeling of protein sequence and biophysical properties (such as structural, functional, and spatial information, amino acid conservation, physicochemical variation, residue mobility, and thermodynamic stability) performed at Invitae indicates that this missense variant is not expected to disrupt CAPN5 protein function with a negative predictive value of 80%. In summary, the available evidence is currently insufficient to determine the role of this variant in disease. Therefore, it has been classified as a Variant of Uncertain Significance.